The following is an entry in ClinVar:

NM_000414.4(HSD17B4):c.1195A>G (p.Ile399Val)

Gene: HSD17B4 (hydroxysteroid 17-beta dehydrogenase 4; plus strand). Cytogenetic location: 5q23.1.
Variant type: single nucleotide variant.
Coding change: c.1195A>G on transcript NM_000414.4 (MANE Select); coding-DNA position 1195, A replaced by G.
Protein change: p.Ile399Val; replaces isoleucine 399 with valine.
Molecular consequence: missense variant. On other transcripts: non-coding transcript variant (2).
Genome position (GRCh38, 1-based): chr5:119,499,539, A>G. VCF-style: chr5-119499539-A-G. GRCh37 (hg19) VCF-style: chr5-118835234-A-G.
Other names: c.1270A>G, p.Ile424Val (NM_001199291.3); c.1141A>G, p.Ile381Val (NM_001199292.2); c.1123A>G, p.Ile375Val (NM_001292027.2); c.775A>G, p.Ile259Val (NM_001292028.2); c.1186A>G, p.Ile396Val (NM_001374497.1); c.1195A>G, p.Ile399Val (NM_001374498.1); c.868A>G, p.Ile290Val (NM_001374499.1); c.754A>G, p.Ile252Val (NM_001374500.1); and 1 more; short protein forms I375V, I262V, I252V, I290V, I381V, I424V, I259V, I396V.
Identifiers: ClinVar variation 1915663 (VCV001915663.4), dbSNP rs1750965242, ClinGen allele CA360868325.
Genomic context (GRCh38, chr5:119,499,539, plus strand): 5'-GTTATCATAGGTCAGAAATCTATGATGGGTGGAGGATTAGCAGAAATTCCTGGACTTTCA[A>G]TCAACTTTGCAAAGGTATGCCTAATAAAAAACCTTTATTTTGCTTTTCTATTTCTGTAAA-3'
Protein context (NP_000405.1, residues 389-409): GGLAEIPGLS[Ile399Val]NFAKVLHGEQ

ClinVar aggregate classification (germline): Uncertain significance (1 of 4 stars; one submission).

Conditions:
Bifunctional peroxisomal enzyme deficiency (DBIF). Also called: PBFE DEFICIENCY; D-bifunctional protein deficiency; DBP DEFICIENCY. Identifiers: Orphanet 300, MedGen C0342870, MONDO:0009855, OMIM 261515. Disease mechanism: loss of function.
Perrault syndrome. Also called: Gonadal dysgenesis with auditory dysfunction, autosomal recessive inheritance. Identifiers: Orphanet 2855, MedGen C0685838, MONDO:0017312.

Allele frequency attached by ClinVar (database versions not stated): TOPMed 0.00001.
gnomAD v4.1: 8 of 1,609,230 alleles (0.0005%); highest among the groups gnomAD compares: African/African-American, 0.0053%; no homozygotes.

Submission:

Labcorp Genetics (formerly Invitae), Labcorp
Classification: Uncertain significance for Perrault syndrome; Bifunctional peroxisomal enzyme deficiency. Last evaluated: 2022-09-27. Review status: criteria provided, single submitter. Criteria: Invitae Variant Classification Sherloc (09022015). Collection method: clinical testing. Allele origin: germline.
Comment: Algorithms developed to predict the effect of sequence changes on RNA splicing suggest that this variant may create or strengthen a splice site. This sequence change replaces isoleucine, which is neutral and non-polar, with valine, which is neutral and non-polar, at codon 399 of the HSD17B4 protein (p.Ile399Val). This variant is not present in population databases (gnomAD no frequency). This variant has not been reported in the literature in individuals affected with HSD17B4-related conditions. Advanced modeling of protein sequence and biophysical properties (such as structural, functional, and spatial information, amino acid conservation, physicochemical variation, residue mobility, and thermodynamic stability) performed at Invitae indicates that this missense variant is not expected to disrupt HSD17B4 protein function. In summary, the available evidence is currently insufficient to determine the role of this variant in disease. Therefore, it has been classified as a Variant of Uncertain Significance.